The following is an entry in ClinVar:

NM_015570.4(AUTS2):c.2938G>A (p.Val980Ile)

Gene: AUTS2 (activator of transcription and developmental regulator AUTS2; plus strand). Cytogenetic location: 7q11.22.
Variant type: single nucleotide variant.
Coding change: c.2938G>A on transcript NM_015570.4 (MANE Select); coding-DNA position 2938, G replaced by A.
Protein change: p.Val980Ile; replaces valine 980 with isoleucine.
Molecular consequence: missense variant.
Genome position (GRCh38, 1-based): chr7:70,790,154, G>A. VCF-style: chr7-70790154-G-A. GRCh37 (hg19) VCF-style: chr7-70255140-G-A.
Other names: c.2866G>A, p.Val956Ile (NM_001127231.3); short protein forms V956I, V980I.
Identifiers: ClinVar variation 1934272 (VCV001934272.5), dbSNP rs772657089, ClinGen allele CA4281225.

ClinVar aggregate classification (germline): Uncertain significance (1 of 4 stars; one submission).

Allele frequency attached by ClinVar (database versions not stated): ExAC 0.00001; TOPMed 0.00001.
gnomAD v4.1: 1 of 1,611,712 alleles (0.000062%); highest among the groups gnomAD compares: Admixed American, 0.0017%; no homozygotes.

Submission:

Labcorp Genetics (formerly Invitae), Labcorp
Classification: Uncertain significance. Last evaluated: 2025-04-15. Review status: criteria provided, single submitter. Criteria: Invitae Variant Classification Sherloc (09022015). Collection method: clinical testing. Allele origin: germline.
Comment: This sequence change replaces valine, which is neutral and non-polar, with isoleucine, which is neutral and non-polar, at codon 980 of the AUTS2 protein (p.Val980Ile). This variant is present in population databases (rs772657089, gnomAD 0.003%). This variant has not been reported in the literature in individuals affected with AUTS2-related conditions. ClinVar contains an entry for this variant (Variation ID: 1934272). Invitae Evidence Modeling of protein sequence and biophysical properties (such as structural, functional, and spatial information, amino acid conservation, physicochemical variation, residue mobility, and thermodynamic stability) indicates that this missense variant is not expected to disrupt AUTS2 protein function with a negative predictive value of 80%. In summary, the available evidence is currently insufficient to determine the role of this variant in disease. Therefore, it has been classified as a Variant of Uncertain Significance.